The following is an entry in ClinVar:

ClinVar aggregate classification (germline): Pathogenic/Likely pathogenic. Review status: criteria provided, multiple submitters, no conflicts (2 of 4 stars). 3 submissions from 3 submitters: Pathogenic (1); Likely pathogenic (1). 1 of the submissions does not count toward it. Last evaluated 2024-07-29.

Conditions:
Polycystic kidney disease. Also called: Polycystic kidney dysplasia; Kidney, Polycystic. Identifiers: MedGen C0022680, MeSH D007690, MONDO:0020642, HP:0000113.
Autosomal dominant polycystic kidney disease. Identifiers: Orphanet 730, MedGen C0085413, MONDO:0004691.

Submissions (3):

Mayo Clinic Laboratories, Mayo Clinic
Classification: Likely pathogenic. Last evaluated: 2024-07-29. Review status: criteria provided, single submitter. Criteria: ACMG Guidelines, 2015. Collection method: clinical testing. Allele origin: germline. Observed: 1 variant allele.
Comment: PM2, PVS1

Labcorp Genetics (formerly Invitae), Labcorp
Classification: Pathogenic for Autosomal dominant polycystic kidney disease. Last evaluated: 2021-12-01. Review status: criteria provided, single submitter. Criteria: Invitae Variant Classification Sherloc (09022015). Collection method: clinical testing. Allele origin: germline.
Comment: This sequence change creates a premature translational stop signal (p.Gly51Alafs*66) in the PKD2 gene. It is expected to result in an absent or disrupted protein product. Loss-of-function variants in PKD2 are known to be pathogenic (PMID: 17582161, 22863349). This variant is not present in population databases (gnomAD no frequency). This variant has not been reported in the literature in individuals affected with PKD2-related conditions. ClinVar contains an entry for this variant (Variation ID: 997320). For these reasons, this variant has been classified as Pathogenic.

Department of Pathology and Laboratory Medicine, Sinai Health System
Classification: Pathogenic for Polycystic Kidney disease. Review status: no assertion criteria provided. Collection method: clinical testing. Allele origin: unknown. Affected: yes. Study: The Canadian Open Genetics Repository (COGR). Not counted in ClinVar's aggregate classification.
Comment: The PKD2 p.Gly51Alafs*66 variant was not identified in the literature nor was it identified in the dbSNP, ClinVar, LOVD 3.0, ADPKD Mutation Database, PKD1-LOVD, the Exome Aggregation Consortium (August 8th 2016), or the Genome Aggregation Database (Feb 27, 2017). The c.152del variant is predicted to cause a frameshift, which alters the protein amino acid sequence beginning at codon 51 and leads to a premature stop codon at position 116. This alteration is then predicted to result in a truncated or absent protein and loss of function. Loss of function variants of the PKD2 gene are an established mechanism of disease in ADPKD and is the type of variant expected to cause the disorder. In summary, based on the above information this variant meets our laboratoryâ€šÃ„Ã´s criteria to be classified as pathogenic.

Literature cited by the submitters: PubMed 17582161 (cited by Labcorp Genetics (formerly Invitae), Labcorp); PubMed 22863349 (cited by Labcorp Genetics (formerly Invitae), Labcorp).

NM_000297.4(PKD2):c.152del (p.Gly51fs)

Genes: PKD2 (polycystin 2, transient receptor potential cation channel; plus strand), LOC129992813 (ATAC-STARR-seq lymphoblastoid silent region 15559; plus strand). Cytogenetic location: 4q22.1.
Variant type: Deletion.
Coding change: c.152del on transcript NM_000297.4 (MANE Select); coding-DNA position 152, one base deleted (G; older notation c.152delG).
Protein change: p.Gly51fs; shifts the reading frame from glycine 51.
Molecular consequence: frameshift variant. On other transcripts: non-coding transcript variant (1).
Genome position (GRCh38, 1-based): chr4:88,007,885, G deleted; the last of 4 consecutive G bases (chr4:88,007,882-88,007,885); deleting any one gives the same sequence. VCF-style (leftmost placement, unchanged base first): chr4-88007881-CG-C. GRCh37 (hg19) VCF-style: chr4-88929033-CG-C.
Other names: p.Gly51Alafs*66; short protein forms G51fs.
Identifiers: ClinVar variation 997320 (VCV000997320.7), dbSNP rs1726229033, ClinGen allele CA1474562215.
Genomic context (GRCh38, chr4:88,007,881, plus strand): 5'-ATGGCTGGCTGCGCGGCCGTGGGCGCCAGCCTCGCCGCCCCGGGCGGCCTCTGCGAGCAG[CG>C]GGGCCTGGAGATCGAGATGCAGCGCATCCGGCAGGCGGCCGCGCGGGACCCCCCGGCCGG-3'